The following is an entry in ClinVar:

NM_024809.5(TCTN2):c.765-43A>T

Gene: TCTN2 (tectonic family member 2; plus strand). Cytogenetic location: 12q24.31.
Variant type: single nucleotide variant.
Coding change: c.765-43A>T on transcript NM_024809.5 (MANE Select); 43 bases into the intron before coding-DNA position 765, A replaced by T.
Molecular consequence: intron variant.
Genome position (GRCh38, 1-based): chr12:123,688,008, A>T. VCF-style: chr12-123688008-A-T. GRCh37 (hg19) VCF-style: chr12-124172555-A-T.
Other names: c.762-43A>T (NM_001143850.3).
Identifiers: ClinVar variation 126290 (VCV000126290.8), dbSNP rs7298831, ClinGen allele CA150968.

ClinVar aggregate classification (germline): Benign. Review status: criteria provided, multiple submitters, no conflicts (2 of 4 stars). 4 submissions from 4 submitters: Benign (3). 1 of the submissions does not count toward it. Last evaluated 2018-06-14.

Allele frequency attached by ClinVar (database versions not stated): TOPMed 0.42044; gnomAD 0.42250 and 0.41353; ESP Exome Variant Server 0.44679; 1000 Genomes Project 0.33167; 1000 Genomes Project 30x 0.33698; gnomAD exomes 0.34830 and 0.39120; ExAC 0.35666.
gnomAD v4.1: 631,936 of 1,608,040 alleles (39%); highest among the groups gnomAD compares: African/African-American, 55%; 129,642 homozygotes.

Submissions (4):

GeneDx
Classification: Benign. Last evaluated: 2018-06-14. Review status: criteria provided, single submitter. Criteria: GeneDx Variant Classification (06012015). Collection method: clinical testing. Allele origin: germline. Affected: yes.
Comment: This variant is considered likely benign or benign based on one or more of the following criteria: it is a conservative change, it occurs at a poorly conserved position in the protein, it is predicted to be benign by multiple in silico algorithms, and/or has population frequency not consistent with disease.

Breakthrough Genomics
Classification: Benign. Review status: criteria provided, single submitter. Criteria: ACMG Guidelines, 2015. Collection method: not provided. Allele origin: germline. Inheritance: Autosomal recessive inheritance. Affected: yes.

PreventionGenetics, part of Exact Sciences
Classification: Benign. Review status: criteria provided, single submitter. Criteria: ACMG Guidelines, 2015. Collection method: clinical testing. Allele origin: germline.

Genetic Services Laboratory, University of Chicago
Classification: Likely benign for AllHighlyPenetrant. Review status: no assertion criteria provided. Collection method: clinical testing. Allele origin: germline. Inheritance: Autosomal recessive inheritance. Observed: 1 variant allele. Not counted in ClinVar's aggregate classification.
Comment: Likely benign based on allele frequency in 1000 Genomes Project or ESP global frequency and its presence in a patient with a rare or unrelated disease phenotype. NOT Sanger confirmed.